The following is an entry in ClinVar:

NM_001267550.2(TTN):c.32872C>A (p.Pro10958Thr)

Gene: TTN (titin; minus strand). Cytogenetic location: 2q31.2.
Variant type: single nucleotide variant.
Coding change: c.32872C>A on transcript NM_001267550.2 (MANE Select); coding-DNA position 32872, C replaced by A.
Protein change: p.Pro10958Thr; replaces proline 10958 with threonine.
Molecular consequence: missense variant. On other transcripts: intron variant (3).
Genome position (GRCh38, 1-based): chr2:178,683,226, G>T on the plus strand (C>A on the coding strand, the complement: TTN is on the minus strand). VCF-style: chr2-178683226-G-T. GRCh37 (hg19) VCF-style: chr2-179547953-G-T.
Other names: c.31921C>A, p.Pro10641Thr (NM_001256850.1); c.29140C>A, p.Pro9714Thr (NM_133378.4); c.13283-40909C>A (NM_003319.4); c.13859-40909C>A (NM_133437.4); c.13658-40909C>A (NM_133432.3); short protein forms P9714T, P10958T, P10641T.
Identifiers: ClinVar variation 893297 (VCV000893297.5), dbSNP rs2069920810, ClinGen allele CA349542900.

ClinVar aggregate classification (germline): Uncertain significance. Review status: criteria provided, multiple submitters, no conflicts (2 of 4 stars). 6 submissions from 2 submitters: Uncertain significance (6). Last evaluated 2019-06-21.

Conditions:
Early-onset myopathy with fatal cardiomyopathy (CMYO5). Also called: CONGENITAL MYOPATHY 5 WITH CARDIOMYOPATHY; Salih Myopathy. Identifiers: Orphanet 289377, MedGen C2673677, MONDO:0012714, OMIM 611705. Disease mechanism: loss of function.
Myopathy, myofibrillar, 9, with early respiratory failure (MFM9). Also called: EDSTROM MYOPATHY; MYOPATHY, PROXIMAL, WITH EARLY RESPIRATORY MUSCLE INVOLVEMENT; Myopathy, distal, with early respiratory failure, autosomal dominant; Hereditary myopathy with early respiratory failure. Identifiers: Orphanet 178464, Orphanet 34521, MedGen C1863599, MONDO:0011362, OMIM 603689.
Autosomal recessive limb-girdle muscular dystrophy type 2J (LGMDR10). Also called: Limb-girdle muscular dystrophy, type 2J; MUSCULAR DYSTROPHY, LIMB-GIRDLE, AUTOSOMAL RECESSIVE 10. Identifiers: Orphanet 140922, MedGen C1837342, MONDO:0012127, OMIM 608807.
Tibial muscular dystrophy (TMD). Also called: Tibial muscular dystrophy, tardive; UDD MYOPATHY; Udd Distal Myopathy – Tibial Muscular Dystrophy. Identifiers: Orphanet 609, MedGen C1838244, MONDO:0010870, OMIM 600334.
Dilated cardiomyopathy 1G (CMD1G). Identifiers: Orphanet 154, MedGen C1858763, MONDO:0011400, OMIM 604145.

Allele frequency attached by ClinVar (database versions not stated): gnomAD exomes below 0.00001.
gnomAD v4.1: 1 of 1,551,612 alleles (0.000064%); highest among the groups gnomAD compares: Non-Finnish European, 0.000087%; no homozygotes.

Submissions (6):

Baylor Genetics
Classification: Uncertain significance for Dilated cardiomyopathy 1G. Last evaluated: 2019-06-21. Review status: criteria provided, single submitter. Criteria: ACMG Guidelines, 2015. Collection method: clinical testing. Allele origin: unknown. Affected: yes.
Comment: This variant was determined to be of uncertain significance according to ACMG Guidelines, 2015 [PMID:25741868].

Illumina Laboratory Services, Illumina
Classification: Uncertain significance for Autosomal recessive limb-girdle muscular dystrophy type 2J. Last evaluated: 2018-01-12. Review status: criteria provided, single submitter. Criteria: ICSL Variant Classification Criteria 13 December 2019. Collection method: clinical testing. Allele origin: germline.

Illumina Laboratory Services, Illumina
Classification: Uncertain significance for Early-onset myopathy with fatal cardiomyopathy. Last evaluated: 2018-01-12. Review status: criteria provided, single submitter. Criteria: ICSL Variant Classification Criteria 13 December 2019. Collection method: clinical testing. Allele origin: germline.

Illumina Laboratory Services, Illumina
Classification: Uncertain significance for Dilated cardiomyopathy 1G. Last evaluated: 2018-01-12. Review status: criteria provided, single submitter. Criteria: ICSL Variant Classification Criteria 13 December 2019. Collection method: clinical testing. Allele origin: germline.

Illumina Laboratory Services, Illumina
Classification: Uncertain significance for Myopathy, myofibrillar, 9, with early respiratory failure. Last evaluated: 2018-01-12. Review status: criteria provided, single submitter. Criteria: ICSL Variant Classification Criteria 13 December 2019. Collection method: clinical testing. Allele origin: germline.

Illumina Laboratory Services, Illumina
Classification: Uncertain significance for Tibial muscular dystrophy. Last evaluated: 2018-01-12. Review status: criteria provided, single submitter. Criteria: ICSL Variant Classification Criteria 13 December 2019. Collection method: clinical testing. Allele origin: germline.